The following is an entry in ClinVar:

NM_003590.5(CUL3):c.442C>T (p.Arg148Ter)

Gene: CUL3 (cullin 3; minus strand). Cytogenetic location: 2q36.2.
Variant type: single nucleotide variant.
Coding change: c.442C>T on transcript NM_003590.5 (MANE Select); coding-DNA position 442, C replaced by T.
Protein change: p.Arg148Ter; replaces arginine 148 with a stop codon.
Molecular consequence: nonsense.
Genome position (GRCh38, 1-based): chr2:224,514,709, G>A on the plus strand (C>T on the coding strand, the complement: CUL3 is on the minus strand). VCF-style: chr2-224514709-G-A. GRCh37 (hg19) VCF-style: chr2-225379426-G-A.
Other names: c.442C>T (NM_003590.4, NM_003590.3); c.244C>T, p.Arg82Ter (NM_001257197.2); c.460C>T, p.Arg154Ter (NM_001257198.2); short protein forms R148*, R154*, R82*.
Identifiers: ClinVar variation 2090420 (VCV002090420.10), dbSNP rs2106223664, ClinGen allele CA350831941.

ClinVar aggregate classification (germline): Pathogenic/Likely pathogenic. Review status: criteria provided, multiple submitters, no conflicts (2 of 4 stars). 5 submissions from 5 submitters: Pathogenic (3); Likely pathogenic (1). 1 of the submissions does not count toward it. Last evaluated 2026-06-16.

Conditions:
Pseudohypoaldosteronism type 2E (PHA2E). Also called: Pseudohypoaldosteronism Type IIE. Identifiers: Orphanet 300530, Orphanet 757, MedGen C3469606, MONDO:0013782, OMIM 614496.
Neurodevelopmental disorder with or without autism or seizures (NEDAUS). Identifiers: MedGen C5543225, MONDO:0030994, OMIM 619239.
Inborn genetic diseases. Identifiers: MedGen C0950123, MeSH D030342.

Allele frequency attached by ClinVar (database versions not stated): gnomAD exomes below 0.00001.
gnomAD v4.1: 1 of 1,613,094 alleles (0.000062%); highest among the groups gnomAD compares: Non-Finnish European, 0.000085%; no homozygotes.

Submissions (5):

GeneDx
Classification: Pathogenic. Last evaluated: 2026-06-16. Review status: criteria provided, single submitter. Criteria: GeneDx Variant Classification Process June 2021. Collection method: clinical testing. Allele origin: germline.
Comment: Nonsense variant predicted to result in protein truncation or nonsense mediated decay in a gene for which loss of function is a known mechanism of disease; Not observed at significant frequency in large population cohorts (gnomAD); This variant is associated with the following publications: (PMID: 32341456, 40763714)

Ambry Genetics
Classification: Pathogenic for Inborn genetic diseases. Last evaluated: 2025-12-22. Review status: criteria provided, single submitter. Criteria: Ambry Variant Classification Scheme 2023. Collection method: clinical testing. Allele origin: germline.
Comment: The c.442C>T (p.R148*) alteration, located in exon 4 (coding exon 4) of the CUL3 gene, consists of a C to T substitution at nucleotide position 442. This changes the amino acid from a arginine (R) to a stop codon at amino acid position 148. This alteration is expected to result in loss of function by premature protein truncation or nonsense-mediated mRNA decay. for autosomal dominant CUL3-related neurodevelopmental disorder; however, its clinical significance for autosomal dominant CUL3-related pseudohypoaldosteronism type II is uncertain. This variant was not reported in population-based cohorts in the Genome Aggregation Database (gnomAD). Based on the available evidence, this alteration is classified as pathogenic.

Labcorp Genetics (formerly Invitae), Labcorp
Classification: Pathogenic. Last evaluated: 2022-01-27. Review status: criteria provided, single submitter. Criteria: Invitae Variant Classification Sherloc (09022015). Collection method: clinical testing. Allele origin: germline.
Comment: For these reasons, this variant has been classified as Pathogenic. This variant has not been reported in the literature in individuals affected with CUL3-related conditions. This variant is not present in population databases (gnomAD no frequency). This sequence change creates a premature translational stop signal (p.Arg148*) in the CUL3 gene. It is expected to result in an absent or disrupted protein product. Loss-of-function variants in CUL3 are known to be pathogenic (PMID: 32341456).

Juno Genomics, Hangzhou Juno Genomics, Inc
Classification: Likely pathogenic for Neurodevelopmental disorder with or without autism or seizures; Pseudohypoaldosteronism type 2E. Review status: criteria provided, single submitter. Criteria: ACMG Guidelines, 2015. Collection method: clinical testing. Allele origin: germline.
Comment: Absent from controls (or at extremely low frequency if recessive) in Genome Aggregation Database.;Null variant in a gene where loss of function (LOF) is a known mechanism of disease.

Diagnostics Centre, Carl Von Ossietzky University Oldenburg
Classification: Likely pathogenic for Neurodevelopmental disorder with or without autism or seizures. Last evaluated: 2024-04-02. Review status: no assertion criteria provided. Collection method: clinical testing. Allele origin: germline. Affected: yes. Observed: 1 variant allele. Not counted in ClinVar's aggregate classification.
Comment: The variant CUL3:c.442C>T p.Arg148Ter, located in the coding exon 4 of the CUL3 gene, results from a cytosine to thymine substitution at nucleotide position c.442. This change results in the formation of a premature stop codon at protein position 148. The variant affects an exon [4/16] present in a biologically relevant transcript and is predicted to cause protein truncation/absent due to nonsense mediated decay in a gene where loss-of-function is a known mechanism of disease. The variant has been classified as pathogenic in two entries in ClinVar (ClinVar ID: 2090420). This variant is classified as rare in the overall population (MAF 6.1 * e-7 in gnomAD, v4.1.0). In summary, this variant is classified as Likely pathogenic.

Literature cited by the submitters: PubMed 32341456 (cited by Labcorp Genetics (formerly Invitae), Labcorp).